The following is an entry in ClinVar:

ClinVar aggregate classification (germline): Pathogenic/Likely pathogenic. Review status: criteria provided, multiple submitters, no conflicts (2 of 4 stars). 3 submissions from 3 submitters: Pathogenic (1); Likely pathogenic (2). Last evaluated 2026-04-12.

Conditions:
OTOF-related disorder. Also called: OTOF-related condition.
Nonsyndromic genetic hearing loss. Also called: Nonsyndromic hearing loss and deafness; Non-syndromic genetic deafness; Nonsyndromic genetic deafness. Identifiers: Orphanet 87884, MedGen C5680182, MONDO:0019497.

Allele frequency attached by ClinVar (database versions not stated): gnomAD exomes 0.00001 and 0.00003; ExAC 0.00002; TOPMed 0.00002; gnomAD 0.00003; ESP Exome Variant Server 0.00008.
gnomAD v4.1: 40 of 1,613,550 alleles (0.0025%); highest among the groups gnomAD compares: Non-Finnish European, 0.0033%; no homozygotes.

Submissions (3):

PreventionGenetics, part of Exact Sciences
Classification: Likely pathogenic for OTOF-related condition. Last evaluated: 2026-04-12. Review status: criteria provided, single submitter. Criteria: ACMG Guidelines, 2015. Collection method: clinical testing. Allele origin: germline.
Comment: The OTOF c.76C>T variant is predicted to result in premature protein termination (p.Arg26*). To our knowledge, this variant has not been reported in the literature . This variant is reported in 0.0023% of alleles in individuals of European (Non-Finnish) descent in gnomAD. Nonsense variants in OTOF are expected to be pathogenic. This variant occurs within the first exon and loss-of-function varianta upstream of this variant have not been reported, however there is no nearby alternative start codon located in exon 1 or 2, therefore an alternative start of translation is not anticipated. This variant is interpreted as likely pathogenic.

Labcorp Genetics (formerly Invitae), Labcorp
Classification: Pathogenic. Last evaluated: 2023-12-20. Review status: criteria provided, single submitter. Criteria: Invitae Variant Classification Sherloc (09022015). Collection method: clinical testing. Allele origin: germline.
Comment: This sequence change creates a premature translational stop signal (p.Arg26*) in the OTOF gene. It is expected to result in an absent or disrupted protein product. Loss-of-function variants in OTOF are known to be pathogenic (PMID: 18381613, 19250381, 22575033). This variant is present in population databases (rs145208539, gnomAD 0.003%). This variant has not been reported in the literature in individuals affected with OTOF-related conditions. ClinVar contains an entry for this variant (Variation ID: 1397540). Algorithms developed to predict the effect of sequence changes on RNA splicing suggest that this variant may disrupt the consensus splice site. For these reasons, this variant has been classified as Pathogenic.

Women's Health and Genetics/Laboratory Corporation of America, LabCorp
Classification: Likely pathogenic for Nonsyndromic genetic hearing loss. Last evaluated: 2023-01-16. Review status: criteria provided, single submitter. Criteria: LabCorp Variant Classification Summary - May 2015. Collection method: clinical testing. Allele origin: germline.
Comment: Variant summary: OTOF c.76C>T (p.Arg26X) results in a premature termination codon, predicted to cause a truncation of the encoded protein or absence of the protein due to nonsense mediated decay, which are commonly known mechanisms for disease. The variant allele was found at a frequency of 1.2e-05 in 250932 control chromosomes. Truncations downstream of this position have been associated with Hearing loss in HGMD and classified as pathogenic in our lab. Alternatively, N-terminal truncation or extension of the encoded protein can also occur due to translation initiation at an alternative initiation codon. The next downstream in-frame initiation codon is at Met 61. Activation of the potential downstream translation initiation site would result in a shortened protein missing the first 60 amino acids from the protein sequence. To our knowledge, no occurrence of c.76C>T in individuals affected with Nonsyndromic Hearing Loss And Deafness, Type 9 and no experimental evidence demonstrating its impact on protein function have been reported. One clinical diagnostic laboratory has submitted clinical-significance assessments for this variant to ClinVar after 2014 without evidence for independent evaluation. One laboratory classified the variant as pathogenic. Based on the evidence outlined above, the variant was classified as likely pathogenic.

Literature cited by the submitters: PubMed 18381613 (cited by Labcorp Genetics (formerly Invitae), Labcorp); PubMed 19250381 (cited by Labcorp Genetics (formerly Invitae), Labcorp); PubMed 22575033 (cited by Labcorp Genetics (formerly Invitae), Labcorp).

NM_194248.3(OTOF):c.76C>T (p.Arg26Ter)

Gene: OTOF (otoferlin; minus strand). Cytogenetic location: 2p23.3.
Variant type: single nucleotide variant.
Coding change: c.76C>T on transcript NM_194248.3 (MANE Select); coding-DNA position 76, C replaced by T.
Protein change: p.Arg26Ter; replaces arginine 26 with a stop codon.
Molecular consequence: nonsense.
Genome position (GRCh38, 1-based): chr2:26,558,496, G>A on the plus strand (C>T on the coding strand, the complement: OTOF is on the minus strand). VCF-style: chr2-26558496-G-A. GRCh37 (hg19) VCF-style: chr2-26781364-G-A.
Other names: c.76C>T (NM_194248.2); c.76C>T, p.Arg26Ter (NM_001287489.2); short protein forms R26*.
Identifiers: ClinVar variation 1397540 (VCV001397540.9), dbSNP rs145208539, ClinGen allele CA1564837.